The following is an entry in ClinVar:

ClinVar aggregate classification (germline): Uncertain significance. Review status: criteria provided, multiple submitters, no conflicts (2 of 4 stars). 7 submissions from 7 submitters: Uncertain significance (7). Last evaluated 2025-11-29.

Conditions:
Classic or attenuated familial adenomatous polyposis. Identifiers: MedGen CN372698, MONDO:0021057.
Hereditary cancer-predisposing syndrome. Also called: Neoplastic Syndromes, Hereditary; Tumor predisposition; Hereditary neoplastic syndrome; Hereditary Cancer Syndrome. Identifiers: Orphanet 140162, MedGen C0027672, MeSH D009386, MONDO:0015356.
Familial adenomatous polyposis 1 (FAP1). Also called: FAMILIAL ADENOMATOUS POLYPOSIS 1, ATTENUATED; POLYPOSIS, ADENOMATOUS INTESTINAL. Identifiers: MedGen C2713442, MONDO:0021056, OMIM 175100. Disease mechanism: loss of function.

Allele frequency attached by ClinVar (database versions not stated): gnomAD exomes below 0.00001; gnomAD 0.00001; ExAC 0.00001; TOPMed 0.00002.
gnomAD v4.1: 4 of 1,613,622 alleles (0.00025%); highest among the groups gnomAD compares: East Asian, 0.0022%; no homozygotes.

Submissions (7):

Dasa
Classification: Uncertain significance. Last evaluated: 2025-11-29. Review status: criteria provided, single submitter. Criteria: DASA Assertion Criteria. Collection method: clinical testing. Allele origin: germline.
Comment: NM_000038.6(APC):c.6620C>T (p.Ser2207Leu) is a missense variant that results in the substitution of serine with leucine. This variant is rare in population databases. The currently available literature and clinical evidence are not sufficient to establish a definitive association between this variant and the reported condition. Therefore, this variant is classified as a variant of uncertain significance.

Labcorp Genetics (formerly Invitae), Labcorp
Classification: Uncertain significance for Familial adenomatous polyposis 1. Last evaluated: 2025-10-27. Review status: criteria provided, single submitter. Criteria: Invitae Variant Classification Sherloc (09022015). Collection method: clinical testing. Allele origin: germline.
Comment: This sequence change replaces serine, which is neutral and polar, with leucine, which is neutral and non-polar, at codon 2207 of the APC protein (p.Ser2207Leu). This variant is present in population databases (rs758337476, gnomAD 0.003%). This variant has not been reported in the literature in individuals affected with APC-related conditions. ClinVar contains an entry for this variant (Variation ID: 482482). Invitae Evidence Modeling of protein sequence and biophysical properties (such as structural, functional, and spatial information, amino acid conservation, physicochemical variation, residue mobility, and thermodynamic stability) indicates that this missense variant is not expected to disrupt APC protein function with a negative predictive value of 95%. In summary, the available evidence is currently insufficient to determine the role of this variant in disease. Therefore, it has been classified as a Variant of Uncertain Significance.

Ambry Genetics
Classification: Uncertain significance for Hereditary cancer-predisposing syndrome. Last evaluated: 2024-11-13. Review status: criteria provided, single submitter. Criteria: Ambry Variant Classification Scheme 2023. Collection method: clinical testing. Allele origin: germline.
Comment: The p.S2207L variant (also known as c.6620C>T), located in coding exon 15 of the APC gene, results from a C to T substitution at nucleotide position 6620. The serine at codon 2207 is replaced by leucine, an amino acid with dissimilar properties. This variant was seen in 1/732 breast cancer patients, 0/189 colorectal cancer patients, and 0/490 cancer-free elderly controls in a Turkish population (Akcay IM et al. Int J Cancer, 2021 01;148:285-295). This amino acid position is well conserved in available vertebrate species. In addition, in silico predictors for this gene do not accurately predict pathogenicity. Missense alterations in APC are not a common cause of disease (Spier I et al. Genet Med. 2024 Feb;26(2):100992). Based on the available evidence, the clinical significance of this variant remains unclear.

All of Us Research Program, National Institutes of Health
Classification: Uncertain significance for Classic or attenuated familial adenomatous polyposis. Last evaluated: 2024-04-16. Review status: criteria provided, single submitter. Criteria: ACMG Guidelines, 2015. Collection method: clinical testing. Allele origin: germline. Inheritance: Autosomal dominant inheritance. Observed: 2 variant alleles, 2 heterozygotes.
Comment: This missense variant replaces serine with leucine at codon 2207 of the APC protein. Computational prediction is inconclusive regarding the impact of this variant on protein structure and function (internally defined REVEL score threshold 0.5 < inconclusive < 0.7, PMID: 27666373). To our knowledge, functional studies have not been reported for this variant. This variant has not been reported in individuals affected with APC-related disorders. This variant has been identified in 1/249418 chromosomes in the general population by the Genome Aggregation Database (gnomAD). The available evidence is insufficient to determine the role of this variant in disease conclusively. Therefore, this variant is classified as a Variant of Uncertain Significance.

This study involves interpretation of variants in research participants for the purpose of population health screening. Participant phenotype was not available at the time of variant classification. Additional details can be found in publication PMID: 35346344, PMCID: PMC8962531

Color Diagnostics, LLC DBA Color Health
Classification: Uncertain significance for Hereditary cancer-predisposing syndrome. Last evaluated: 2024-03-28. Review status: criteria provided, single submitter. Criteria: ACMG Guidelines, 2015. Collection method: clinical testing. Allele origin: germline.
Comment: This missense variant replaces serine with leucine at codon 2207 of the APC protein. Computational prediction is inconclusive regarding the impact of this variant on protein structure and function (internally defined REVEL score threshold 0.5 < inconclusive < 0.7, PMID: 27666373). To our knowledge, functional studies have not been reported for this variant. This variant has not been reported in individuals affected with APC-related disorders. This variant has been identified in 1/249418 chromosomes in the general population by the Genome Aggregation Database (gnomAD). The available evidence is insufficient to determine the role of this variant in disease conclusively. Therefore, this variant is classified as a Variant of Uncertain Significance.

Mendelics
Classification: Uncertain significance. Last evaluated: 2022-05-04. Review status: criteria provided, single submitter. Criteria: Mendelics Assertion Criteria 2019. Collection method: clinical testing. Allele origin: germline.

GeneDx
Classification: Uncertain significance. Last evaluated: 2019-10-22. Review status: criteria provided, single submitter. Criteria: GeneDx Variant Classification Process June 2021. Collection method: clinical testing. Allele origin: germline. Affected: yes.
Comment: Not observed in large population cohorts (Lek 2016); In silico analysis, which includes protein predictors and evolutionary conservation, supports that this variant does not alter protein structure/function; Has not been previously published as pathogenic or benign to our knowledge

Literature cited by the submitters: PubMed 32658311 (cited by Ambry Genetics).

NM_000038.6(APC):c.6620C>T (p.Ser2207Leu)

Gene: APC (APC regulator of Wnt signaling pathway; plus strand). Cytogenetic location: 5q22.2.
Variant type: single nucleotide variant.
Coding change: c.6620C>T on transcript NM_000038.6 (MANE Select); coding-DNA position 6620, C replaced by T.
Protein change: p.Ser2207Leu; replaces serine 2207 with leucine.
Molecular consequence: missense variant.
Genome position (GRCh38, 1-based): chr5:112,842,214, C>T. VCF-style: chr5-112842214-C-T. GRCh37 (hg19) VCF-style: chr5-112177911-C-T.
Other names: c.6620C>T, p.Ser2207Leu (NM_001127510.3, NM_001354895.2); c.6566C>T, p.Ser2189Leu (NM_001127511.3); c.6674C>T, p.Ser2225Leu (NM_001354896.2); c.6650C>T, p.Ser2217Leu (NM_001354897.2); c.6545C>T, p.Ser2182Leu (NM_001354898.2); c.6536C>T, p.Ser2179Leu (NM_001354899.2); c.6497C>T, p.Ser2166Leu (NM_001354900.2); c.6443C>T, p.Ser2148Leu (NM_001354901.2); and 5 more; short protein forms S2207L, S2189L, S2047L, S2106L, S2148L, S2225L, S1924L, S2179L.
Identifiers: ClinVar variation 482482 (VCV000482482.26), dbSNP rs758337476, ClinGen allele CA045531.
Genomic context (GRCh38, chr5:112,842,214, plus strand): 5'-GAATCAAAGGAGGAAAAAAAGTTTATAAAAGTTTGATTACTGGAAAAGTTCGATCTAATT[C>T]AGAAATTTCAGGCCAAATGAAACAGCCCCTTCAAGCAAACATGCCTTCAATCTCTCGAGG-3'
Protein context (NP_000029.2, residues 2197-2217): SLITGKVRSN[Ser2207Leu]EISGQMKQPL